The following is an entry in ClinVar:

NM_001849.4(COL6A2):c.1925T>C (p.Val642Ala)

Gene: COL6A2 (collagen type VI alpha 2 chain; plus strand). Cytogenetic location: 21q22.3.
Variant type: single nucleotide variant.
Coding change: c.1925T>C on transcript NM_001849.4 (MANE Select); coding-DNA position 1925, T replaced by C.
Protein change: p.Val642Ala; replaces valine 642 with alanine.
Molecular consequence: missense variant.
Genome position (GRCh38, 1-based): chr21:46,125,573, T>C. VCF-style: chr21-46125573-T-C. GRCh37 (hg19) VCF-style: chr21-47545487-T-C.
Other names: c.1925T>C, p.Val642Ala (NM_058174.3, NM_058175.3); short protein forms V642A.
Identifiers: ClinVar variation 476461 (VCV000476461.11), dbSNP rs760227367, ClinGen allele CA10072334.

ClinVar aggregate classification (germline): Uncertain significance. Review status: criteria provided, multiple submitters, no conflicts (2 of 4 stars). 2 submissions from 2 submitters: Uncertain significance (2). Last evaluated 2026-03-30.

Conditions:
Bethlem myopathy 1A. Also called: Bethlem Muscular Dystrophy; MYOPATHY, BENIGN CONGENITAL, WITH CONTRACTURES; Bethlem myopathy 1. Identifiers: Orphanet 610, MedGen CN029274, MONDO:0024530, OMIM 158810.

Allele frequency attached by ClinVar (database versions not stated): gnomAD 0.00001; gnomAD exomes 0.00001; TOPMed 0.00001; ExAC 0.00002.
gnomAD v4.1: 6 of 1,611,728 alleles (0.00037%); highest among the groups gnomAD compares: Admixed American, 0.0017%; no homozygotes.

Submissions (2):

Women's Health and Genetics/Laboratory Corporation of America, LabCorp
Classification: Uncertain significance. Last evaluated: 2026-03-30. Review status: criteria provided, single submitter. Criteria: LabCorp Variant Classification Summary - May 2015. Collection method: clinical testing. Allele origin: germline.
Comment: Variant summary: COL6A2 c.1925T>C (p.Val642Ala) results in a non-conservative amino acid change in the encoded protein sequence. Algorithms developed to predict the effect of missense changes on protein structure and function all suggest that this variant is likely to be disruptive. The variant allele was found at a frequency of 8e-06 in 250280 control chromosomes. The available data on variant occurrences in the general population are insufficient to allow any conclusion about variant significance. To our knowledge, no occurrence of c.1925T>C in individuals affected with COL6A2-related conditions and no experimental evidence demonstrating its impact on protein function have been reported. ClinVar contains an entry for this variant (Variation ID: 476461). Based on the evidence outlined above, the variant was classified as uncertain significance.

Labcorp Genetics (formerly Invitae), Labcorp
Classification: Uncertain significance for Bethlem myopathy 1A. Last evaluated: 2023-03-08. Review status: criteria provided, single submitter. Criteria: Invitae Variant Classification Sherloc (09022015). Collection method: clinical testing. Allele origin: germline.
Comment: ClinVar contains an entry for this variant (Variation ID: 476461). This variant has not been reported in the literature in individuals affected with COL6A2-related conditions. This variant is present in population databases (rs760227367, gnomAD 0.003%). This sequence change replaces valine, which is neutral and non-polar, with alanine, which is neutral and non-polar, at codon 642 of the COL6A2 protein (p.Val642Ala). Advanced modeling of protein sequence and biophysical properties (such as structural, functional, and spatial information, amino acid conservation, physicochemical variation, residue mobility, and thermodynamic stability) performed at Invitae indicates that this missense variant is not expected to disrupt COL6A2 protein function. In summary, the available evidence is currently insufficient to determine the role of this variant in disease. Therefore, it has been classified as a Variant of Uncertain Significance.